The following is an entry in ClinVar:

NM_001267550.2(TTN):c.73075A>G (p.Met24359Val)

Genes: TTN (titin; minus strand), TTN-AS1 (TTN antisense RNA 1; plus strand). Cytogenetic location: 2q31.2.
Variant type: single nucleotide variant.
Coding change: c.73075A>G on transcript NM_001267550.2 (MANE Select); coding-DNA position 73075, A replaced by G.
Protein change: p.Met24359Val; replaces methionine 24359 with valine.
Molecular consequence: missense variant.
Genome position (GRCh38, 1-based): chr2:178,573,057, T>C on the plus strand (A>G on the coding strand, the complement: TTN is on the minus strand). VCF-style: chr2-178573057-T-C. GRCh37 (hg19) VCF-style: chr2-179437784-T-C.
Other names: c.68152A>G, p.Met22718Val (NM_001256850.1); c.45880A>G, p.Met15294Val (NM_003319.4); c.65371A>G, p.Met21791Val (NM_133378.4); c.46255A>G, p.Met15419Val (NM_133432.3); c.46456A>G, p.Met15486Val (NM_133437.4); short protein forms M22718V, M24359V, M15294V, M15419V, M15486V, M21791V.
Identifiers: ClinVar variation 516332 (VCV000516332.1), dbSNP rs1469212493, ClinGen allele CA349644139.

ClinVar aggregate classification (germline): Likely benign (1 of 4 stars; one submission).

Allele frequency attached by ClinVar (database versions not stated): gnomAD 0.00001 and 0.00003.
gnomAD v4.1: 1 of 1,613,128 alleles (0.000062%); highest among the groups gnomAD compares: East Asian, 0.0022%; no homozygotes.

Submission:

GeneDx
Classification: Likely benign. Last evaluated: 2018-02-20. Review status: criteria provided, single submitter. Criteria: GeneDx Variant Classification (06012015). Collection method: clinical testing. Allele origin: germline. Affected: yes.
Comment: This variant is considered likely benign or benign based on one or more of the following criteria: it is a conservative change, it occurs at a poorly conserved position in the protein, it is predicted to be benign by multiple in silico algorithms, and/or has population frequency not consistent with disease.